The following is an entry in ClinVar:

NM_000487.6(ARSA):c.499G>T (p.Ala167Ser)

Gene: ARSA (arylsulfatase A; minus strand). Cytogenetic location: 22q13.33.
Variant type: single nucleotide variant.
Coding change: c.499G>T on transcript NM_000487.6 (MANE Select); coding-DNA position 499, G replaced by T.
Protein change: p.Ala167Ser; replaces alanine 167 with serine.
Molecular consequence: missense variant.
Genome position (GRCh38, 1-based): chr22:50,627,019, C>A on the plus strand (G>T on the coding strand, the complement: ARSA is on the minus strand). VCF-style: chr22-50627019-C-A. GRCh37 (hg19) VCF-style: chr22-51065447-C-A.
Other names: c.499G>T, p.Ala167Ser (NM_001085425.3, NM_001085426.3, NM_001085427.3); c.241G>T, p.Ala81Ser (NM_001085428.3, NM_001362782.2); short protein forms A81S, A167S.
Identifiers: ClinVar variation 652076 (VCV000652076.11), dbSNP rs578188411, ClinGen allele CA10324992.
Genomic context (GRCh38, chr22:50,627,019, plus strand): 5'-GGTTGGCCAACAGTGGGATGGGGACCAGGCCCTGGTCACAGCCACCGTCGCAAGGAGTGG[C>A]CGGCGGGAAGCAGGTCAGGTTCTGGCAGGGGCCCTGAGGCGGGCAGCTGCCGTGAGGGCT-3'
Protein context (NP_000478.3, residues 157-177): PCQNLTCFPP[Ala167Ser]TPCDGGCDQG

ClinVar aggregate classification (germline): Uncertain significance. Review status: criteria provided, single submitter (1 of 4 stars). 2 submissions from 2 submitters: Uncertain significance (1). 1 of the submissions does not count toward it. Last evaluated 2022-06-10.

Conditions:
Metachromatic leukodystrophy (MLD). Also called: Cerebral sclerosis diffuse metachromatic form; SULFATIDE LIPIDOSIS; ARSA DEFICIENCY; CEREBROSIDE SULFATASE DEFICIENCY; METACHROMATIC LEUKOENCEPHALOPATHY; Arylsulfatase A Deficiency. Identifiers: Orphanet 512, MedGen C0023522, MONDO:0018868, OMIM 250100.

Allele frequency attached by ClinVar (database versions not stated): ExAC 0.00001; gnomAD exomes 0.00001; TOPMed 0.00001; 1000 Genomes Project 30x 0.00016; 1000 Genomes Project 0.00020.
gnomAD v4.1: 3 of 1,609,854 alleles (0.00019%); highest among the groups gnomAD compares: African/African-American, 0.004%; no homozygotes.

Submissions (2):

Labcorp Genetics (formerly Invitae), Labcorp
Classification: Uncertain significance for Metachromatic leukodystrophy. Last evaluated: 2022-06-10. Review status: criteria provided, single submitter. Criteria: Invitae Variant Classification Sherloc (09022015). Collection method: clinical testing. Allele origin: germline.
Comment: This sequence change replaces alanine, which is neutral and non-polar, with serine, which is neutral and polar, at codon 167 of the ARSA protein (p.Ala167Ser). This variant is present in population databases (rs578188411, gnomAD 0.01%). This variant has not been reported in the literature in individuals affected with ARSA-related conditions. ClinVar contains an entry for this variant (Variation ID: 652076). Algorithms developed to predict the effect of missense changes on protein structure and function output the following: SIFT: "Tolerated"; PolyPhen-2: "Benign"; Align-GVGD: "Class C0". The serine amino acid residue is found in multiple mammalian species, which suggests that this missense change does not adversely affect protein function. In summary, the available evidence is currently insufficient to determine the role of this variant in disease. Therefore, it has been classified as a Variant of Uncertain Significance.

Natera, Inc.
Classification: Uncertain significance for Metachromatic leukodystrophy. Last evaluated: 2020-08-12. Review status: no assertion criteria provided. Collection method: clinical testing. Allele origin: germline. Not counted in ClinVar's aggregate classification.